The following is an entry in ClinVar:

NM_024408.4(NOTCH2):c.2042T>A (p.Ile681Asn)

Gene: NOTCH2 (notch receptor 2; minus strand). Cytogenetic location: 1p12.
Variant type: single nucleotide variant.
Coding change: c.2042T>A on transcript NM_024408.4 (MANE Select); coding-DNA position 2042, T replaced by A.
Protein change: p.Ile681Asn; replaces isoleucine 681 with asparagine.
Molecular consequence: missense variant.
Genome position (GRCh38, 1-based): chr1:119,955,217, A>T on the plus strand (T>A on the coding strand, the complement: NOTCH2 is on the minus strand). VCF-style: chr1-119955217-A-T. GRCh37 (hg19) VCF-style: chr1-120497840-A-T.
Other names: c.2042T>A, p.Ile681Asn (NM_001200001.2); short protein forms I681N.
Identifiers: ClinVar variation 134961 (VCV000134961.16), dbSNP rs74882029, ClinGen allele CA161249.

ClinVar aggregate classification (germline): Benign/Likely benign. Review status: criteria provided, multiple submitters, no conflicts (2 of 4 stars). 5 submissions from 5 submitters: Benign (3); Likely benign (1). 1 of the submissions does not count toward it. Last evaluated 2026-01-27.

Conditions:
Hajdu-Cheney syndrome (HJCYS). Also called: Acroosteolysis dominant type; ACROOSTEOLYSIS WITH OSTEOPOROSIS AND CHANGES IN SKULL AND MANDIBLE; SERPENTINE FIBULA-POLYCYSTIC KIDNEY SYNDROME. Identifiers: Orphanet 955, MedGen C0917715, MONDO:0007057, OMIM 102500.

Allele frequency attached by ClinVar (database versions not stated): TOPMed 0.00025; gnomAD 0.00026 and 0.00047; gnomAD exomes 0.00033 and 0.00062; ExAC 0.00040; 1000 Genomes Project 30x 0.00172; 1000 Genomes Project 0.00200.

Submissions (5):

Labcorp Genetics (formerly Invitae), Labcorp
Classification: Benign for Hajdu-Cheney syndrome. Last evaluated: 2026-01-27. Review status: criteria provided, single submitter. Criteria: Invitae Variant Classification Sherloc (09022015). Collection method: clinical testing. Allele origin: germline.

Blueprint Genetics
Classification: Likely benign. Last evaluated: 2024-11-25. Review status: criteria provided, single submitter. Criteria: ACMG Guidelines, 2015. Collection method: clinical testing. Allele origin: germline.

GeneDx
Classification: Benign. Last evaluated: 2020-12-04. Review status: criteria provided, single submitter. Criteria: GeneDx Variant Classification Process June 2021. Collection method: clinical testing. Allele origin: germline. Affected: yes.
Comment: This variant is associated with the following publications: (PMID: 24728327, 22209762)

Eurofins Ntd Llc (ga)
Classification: Benign. Last evaluated: 2016-09-16. Review status: criteria provided, single submitter. Criteria: EGL Classification Definitions 2015. Collection method: clinical testing. Allele origin: germline. Observed: 1 variant allele, 1 heterozygote.

ITMI
No classification provided. Condition: AllHighlyPenetrant. Last evaluated: 2013-09-19. Review status: no classification provided. Collection method: reference population. Allele origin: germline. Not counted in ClinVar's aggregate classification.
Comment: Please see associated publication for description of ethnicities

Literature cited by the submitters: PubMed 24728327 (cited by ITMI).